The following is an entry in ClinVar:

NM_000631.5(NCF4):c.446G>A (p.Arg149Gln)

Gene: NCF4 (neutrophil cytosolic factor 4; plus strand). Cytogenetic location: 22q12.3.
Variant type: single nucleotide variant.
Coding change: c.446G>A on transcript NM_000631.5 (MANE Select); coding-DNA position 446, G replaced by A.
Protein change: p.Arg149Gln; replaces arginine 149 with glutamine.
Molecular consequence: missense variant.
Genome position (GRCh38, 1-based): chr22:36,870,518, G>A. VCF-style: chr22-36870518-G-A. GRCh37 (hg19) VCF-style: chr22-37266560-G-A.
Other names: c.446G>A, p.Arg149Gln (NM_013416.4); short protein forms R149Q.
Identifiers: ClinVar variation 2421311 (VCV002421311.7), dbSNP rs371098446, ClinGen allele CA10212993.

ClinVar aggregate classification (germline): Uncertain significance (1 of 4 stars; one submission).

Conditions:
Granulomatous disease, chronic, autosomal recessive, cytochrome b-positive, type 3. Also called: GRANULOMATOUS DISEASE, CHRONIC, AUTOSOMAL RECESSIVE, 3; Granulomatous disease, chronic, autosomal recessive, cytochrome b-positive, type III; GRANULOMATOUS DISEASE, CHRONIC, DUE TO NCF4 DEFICIENCY; CGD, AUTOSOMAL RECESSIVE CYTOCHROME b-POSITIVE, TYPE III. Identifiers: Orphanet 379, MedGen C3151409, MONDO:0013507, OMIM 613960.

Allele frequency attached by ClinVar (database versions not stated): TOPMed below 0.00001; gnomAD exomes 0.00001; ExAC 0.00002; ESP Exome Variant Server 0.00008.

Submission:

Labcorp Genetics (formerly Invitae), Labcorp
Classification: Uncertain significance for Granulomatous disease, chronic, autosomal recessive, cytochrome b-positive, type 3. Last evaluated: 2022-05-19. Review status: criteria provided, single submitter. Criteria: Invitae Variant Classification Sherloc (09022015). Collection method: clinical testing. Allele origin: germline.
Comment: In summary, the available evidence is currently insufficient to determine the role of this variant in disease. Therefore, it has been classified as a Variant of Uncertain Significance. Algorithms developed to predict the effect of missense changes on protein structure and function are either unavailable or do not agree on the potential impact of this missense change (SIFT: "Deleterious"; PolyPhen-2: "Benign"; Align-GVGD: "Class C0"). This variant has not been reported in the literature in individuals affected with NCF4-related conditions. This variant is present in population databases (rs371098446, gnomAD 0.02%). This sequence change replaces arginine, which is basic and polar, with glutamine, which is neutral and polar, at codon 149 of the NCF4 protein (p.Arg149Gln).